The following is an entry in ClinVar:

ClinVar aggregate classification (germline): Uncertain significance (1 of 4 stars; one submission).

Allele frequency attached by ClinVar (database versions not stated): gnomAD exomes below 0.00001.
gnomAD v4.1: 2 of 1,613,294 alleles (0.00012%); highest among the groups gnomAD compares: South Asian, 0.0011%; no homozygotes.

Submission:

Labcorp Genetics (formerly Invitae), Labcorp
Classification: Uncertain significance. Last evaluated: 2022-06-20. Review status: criteria provided, single submitter. Criteria: Invitae Variant Classification Sherloc (09022015). Collection method: clinical testing. Allele origin: germline.
Comment: In summary, the available evidence is currently insufficient to determine the role of this variant in disease. Therefore, it has been classified as a Variant of Uncertain Significance. Variants that disrupt the consensus splice site are a relatively common cause of aberrant splicing (PMID: 17576681, 9536098). Algorithms developed to predict the effect of sequence changes on RNA splicing suggest that this variant is not likely to affect RNA splicing. ClinVar contains an entry for this variant (Variation ID: 842489). This variant has not been reported in the literature in individuals affected with ARHGEF18-related conditions. This variant is not present in population databases (gnomAD no frequency). This sequence change falls in intron 14 of the ARHGEF18 gene. It does not directly change the encoded amino acid sequence of the ARHGEF18 protein. It affects a nucleotide within the consensus splice site.

Literature cited by the submitters: PubMed 17576681; PubMed 9536098.

NM_001367823.1(ARHGEF18):c.2961+6C>T

Gene: ARHGEF18 (Rho/Rac guanine nucleotide exchange factor 18; plus strand). Cytogenetic location: 19p13.2.
Variant type: single nucleotide variant.
Coding change: c.2961+6C>T on transcript NM_001367823.1 (MANE Select); 6 bases into the intron after coding-DNA position 2961, C replaced by T.
Molecular consequence: intron variant.
Genome position (GRCh38, 1-based): chr19:7,466,980, C>T. VCF-style: chr19-7466980-C-T. GRCh37 (hg19) VCF-style: chr19-7531866-C-T.
Other names: c.1923+6C>T (NM_001367824.1, NM_015318.4); c.2235+6C>T (NM_001130955.2).
Identifiers: ClinVar variation 842489 (VCV000842489.11), dbSNP rs1976663792, ClinGen allele CA916083675.
Genomic context (GRCh38, chr19:7,466,980, plus strand): 5'-GGAGGCGCCAGGCACGGAATCCGATCCCCGTCTGCCCACCGTCCTGGAGTCGGAGGTAGG[C>T]GCCCGCGGGTCTCCATCTCCCCAGGGCCTTGTGCACGCGCGTGTGGCCTCAGCCCGATAA-3'